The following is an entry in ClinVar:

ClinVar aggregate classification (germline): Uncertain significance (1 of 4 stars; one submission).

Submission:

GeneDx
Classification: Uncertain significance. Last evaluated: 2023-01-18. Review status: criteria provided, single submitter. Criteria: GeneDx Variant Classification Process June 2021. Collection method: clinical testing. Allele origin: germline. Affected: yes.
Comment: Not observed at significant frequency in large population cohorts (gnomAD); In silico analysis supports that this missense variant does not alter protein structure/function; Has not been previously published as pathogenic or benign to our knowledge

NM_024592.5(SRD5A3):c.20C>T (p.Ala7Val)

Gene: SRD5A3 (steroid 5 alpha-reductase 3; plus strand). Cytogenetic location: 4q12.
Variant type: single nucleotide variant.
Coding change: c.20C>T on transcript NM_024592.5 (MANE Select); coding-DNA position 20, C replaced by T.
Protein change: p.Ala7Val; replaces alanine 7 with valine.
Molecular consequence: missense variant.
Genome position (GRCh38, 1-based): chr4:55,346,356, C>T. VCF-style: chr4-55346356-C-T. GRCh37 (hg19) VCF-style: chr4-56212523-C-T.
Other names: c.20C>T, p.Ala7Val (NM_001410732.1); short protein forms A7V.
Identifiers: ClinVar variation 2574227 (VCV002574227.1), dbSNP rs2545437004, ClinGen allele CA356956533.
Genomic context (GRCh38, chr4:55,346,356, plus strand): 5'-CGGTGGGGGCGCCAGCAGCGCGGAAGGCGGGCACGCGGGCCATGGCTCCCTGGGCGGAGG[C>T]CGAGCACTCGGCGCTGAACCCGCTGCGCGCGGTGTGGCTCACGCTGACCGCCGCCTTCCT-3'
Protein context (NP_078868.1, residues 1-17): MAPWAE[Ala7Val]EHSALNPLRA